The following is an entry in ClinVar:

NM_003477.3(PDHX):c.542+1G>C

Gene: PDHX (pyruvate dehydrogenase complex component X; plus strand). Cytogenetic location: 11p13.
Variant type: single nucleotide variant.
Coding change: c.542+1G>C on transcript NM_003477.3 (MANE Select); the canonical splice donor site of the intron after coding-DNA position 542, G replaced by C.
Molecular consequence: splice donor variant. On other transcripts: intron variant (1).
Genome position (GRCh38, 1-based): chr11:34,957,584, G>C. VCF-style: chr11-34957584-G-C. GRCh37 (hg19) VCF-style: chr11-34979131-G-C.
Other names: c.362+1G>C (NM_001135024.2); c.342+9978G>C (NM_001166158.2).
Identifiers: ClinVar variation 2757267 (VCV002757267.3), dbSNP rs2494703615, ClinGen allele CA380118788.

ClinVar aggregate classification (germline): Likely pathogenic (1 of 4 stars; one submission).

Submission:

Labcorp Genetics (formerly Invitae), Labcorp
Classification: Likely pathogenic. Last evaluated: 2023-09-01. Review status: criteria provided, single submitter. Criteria: Invitae Variant Classification Sherloc (09022015). Collection method: clinical testing. Allele origin: germline.
Comment: This sequence change affects a donor splice site in intron 4 of the PDHX gene. It is expected to disrupt RNA splicing. Variants that disrupt the donor or acceptor splice site typically lead to a loss of protein function (PMID: 16199547), and loss-of-function variants in PDHX are known to be pathogenic (PMID: 16904023, 21914562). This variant is not present in population databases (gnomAD no frequency). Disruption of this splice site has been observed in individual(s) with Pyruvate dehydrogenase complex deficiency (Invitae). Algorithms developed to predict the effect of sequence changes on RNA splicing suggest that this variant may disrupt the consensus splice site. In summary, the currently available evidence indicates that the variant is pathogenic, but additional data are needed to prove that conclusively. Therefore, this variant has been classified as Likely Pathogenic.

Literature cited by the submitters: PubMed 16199547; PubMed 16904023; PubMed 21914562.